The following is an entry in ClinVar:

NM_031885.5(BBS2):c.1675G>A (p.Asp559Asn)

Gene: BBS2 (Bardet-Biedl syndrome 2; minus strand). Cytogenetic location: 16q13.
Variant type: single nucleotide variant.
Coding change: c.1675G>A on transcript NM_031885.5 (MANE Select); coding-DNA position 1675, G replaced by A.
Protein change: p.Asp559Asn; replaces aspartic acid 559 with asparagine.
Molecular consequence: missense variant. On other transcripts: non-coding transcript variant (5).
Genome position (GRCh38, 1-based): chr16:56,497,865, C>T on the plus strand (G>A on the coding strand, the complement: BBS2 is on the minus strand). VCF-style: chr16-56497865-C-T. GRCh37 (hg19) VCF-style: chr16-56531777-C-T.
Other names: c.1675G>A, p.Asp559Asn (NM_001377456.1); short protein forms D559N.
Identifiers: ClinVar variation 2100691 (VCV002100691.4), dbSNP rs2543698633, ClinGen allele CA395976163.

ClinVar aggregate classification (germline): Uncertain significance (1 of 4 stars; one submission).

Conditions:
Bardet-Biedl syndrome (BBS). Identifiers: Orphanet 110, MedGen C0752166, MONDO:0015229.

Submission:

Labcorp Genetics (formerly Invitae), Labcorp
Classification: Uncertain significance for Bardet-Biedl syndrome. Last evaluated: 2023-05-22. Review status: criteria provided, single submitter. Criteria: Invitae Variant Classification Sherloc (09022015). Collection method: clinical testing. Allele origin: germline.
Comment: This sequence change replaces aspartic acid, which is acidic and polar, with asparagine, which is neutral and polar, at codon 559 of the BBS2 protein (p.Asp559Asn). This variant is not present in population databases (gnomAD no frequency). This variant has not been reported in the literature in individuals affected with BBS2-related conditions. ClinVar contains an entry for this variant (Variation ID: 2100691). Advanced modeling of protein sequence and biophysical properties (such as structural, functional, and spatial information, amino acid conservation, physicochemical variation, residue mobility, and thermodynamic stability) performed at Invitae indicates that this missense variant is not expected to disrupt BBS2 protein function. In summary, the available evidence is currently insufficient to determine the role of this variant in disease. Therefore, it has been classified as a Variant of Uncertain Significance.